The following is an entry in ClinVar:

ClinVar aggregate classification (germline): Likely benign (1 of 4 stars; one submission).

Allele frequency attached by ClinVar (database versions not stated): ESP Exome Variant Server 0.00023; TOPMed 0.00024; 1000 Genomes Project 30x 0.00031; gnomAD 0.00032; 1000 Genomes Project 0.00040; gnomAD exomes 0.00041; ExAC 0.00044.

Submission:

CeGaT Center for Human Genetics Tuebingen
Classification: Likely benign. Last evaluated: 2023-03-01. Review status: criteria provided, single submitter. Criteria: CeGaT Center For Human Genetics Tuebingen Variant Classification Criteria Version 2. Collection method: clinical testing. Allele origin: germline. Affected: yes. Observed: 1 variant allele.
Comment: S1PR4: BP4, BP7

NM_003775.4(S1PR4):c.345C>T (p.Pro115=)

Gene: S1PR4 (sphingosine-1-phosphate receptor 4; plus strand). Cytogenetic location: 19p13.3.
Variant type: single nucleotide variant.
Coding change: c.345C>T on transcript NM_003775.4 (MANE Select); coding-DNA position 345, C replaced by T.
Protein change: p.Pro115=; no amino-acid change (proline 115 retained).
Molecular consequence: synonymous variant.
Genome position (GRCh38, 1-based): chr19:3,179,137, C>T. VCF-style: chr19-3179137-C-T. GRCh37 (hg19) VCF-style: chr19-3179135-C-T.
Identifiers: ClinVar variation 2648986 (VCV002648986.24), dbSNP rs373222281, ClinGen allele CA9075630.